The following is an entry in ClinVar:

NM_022051.3(EGLN1):c.995_1000del (p.Lys332_Trp334delinsArg)

Gene: EGLN1 (egl-9 family hypoxia inducible factor 1; minus strand). Cytogenetic location: 1q42.2.
Variant type: Deletion.
Coding change: c.995_1000del on transcript NM_022051.3 (MANE Select); coding-DNA positions 995 to 1000, 6 bases deleted (AAGACT; older notation c.995_1000delAAGACT).
Protein change: p.Lys332_Trp334delinsArg.
Molecular consequence: inframe indel.
Genome position (GRCh38, 1-based): chr1:231,373,991-231,373,996, AGTCTT deleted on the plus strand (AAGACT on the coding strand, the reverse complement: EGLN1 is on the minus strand). VCF-style (leftmost placement, unchanged base first): chr1-231373990-CAGTCTT-C. GRCh37 (hg19) VCF-style: chr1-231509736-CAGTCTT-C.
Other names: c.995_1000del, p.Lys332_Trp334delinsArg (NM_001377260.1, NM_001377261.1).
Identifiers: ClinVar variation 3274781 (VCV003274781.1).
Genomic context (GRCh38, chr1:231,373,990, plus strand): 5'-AGAAAAAGACACCTGTAAGAAAAAAATAAATGCTCAATTAAGTTGCATACCTTGGCATCC[CAGTCTT>C]TATTAAGATAATATATACATGTCACACATCTTCCATCTCCATTTGGATTATCAACATGAC-3'

ClinVar aggregate classification (germline): Uncertain significance (1 of 4 stars; one submission).

Submission:

Ambry Genetics
Classification: Uncertain significance. Last evaluated: 2024-04-23. Review status: criteria provided, single submitter. Criteria: Ambry Variant Classification Scheme 2023. Collection method: clinical testing. Allele origin: germline.
Comment: The c.995_1000delAAGACT variant (also known as p.K332_W334delinsR), located in coding exon 2 of the EGLN1 gene, results from an in-frame deletion of AAGACT at nucleotide positions 995 to 1000. This results in the substitution of lysine and tryptophan residues for an arginine residue at codon 332 and 334. This amino acid region is well conserved in available vertebrate species. In addition, this alteration is predicted to be deleterious by in silico analysis (Choi Y et al. PLoS ONE. 2012; 7(10):e46688). The evidence for this gene-disease relationship is limited; therefore, the clinical significance of this alteration is unclear.